The following is an entry in ClinVar:

NM_198253.3(TERT):c.3110C>G (p.Ser1037Cys)

Gene: TERT (telomerase reverse transcriptase; minus strand). Cytogenetic location: 5p15.33.
Variant type: single nucleotide variant.
Coding change: c.3110C>G on transcript NM_198253.3 (MANE Select); coding-DNA position 3110, C replaced by G.
Protein change: p.Ser1037Cys; replaces serine 1037 with cysteine.
Molecular consequence: missense variant. On other transcripts: non-coding transcript variant (2).
Genome position (GRCh38, 1-based): chr5:1,255,334, G>C on the plus strand (C>G on the coding strand, the complement: TERT is on the minus strand). VCF-style: chr5-1255334-G-C. GRCh37 (hg19) VCF-style: chr5-1255449-G-C.
Other names: c.2921C>G, p.Ser974Cys (NM_001193376.3); short protein forms S1037C, S974C.
Identifiers: ClinVar variation 410669 (VCV000410669.14), dbSNP rs1060503001, ClinGen allele CA16611769.

ClinVar aggregate classification (germline): Uncertain significance. Review status: criteria provided, multiple submitters, no conflicts (2 of 4 stars). 3 submissions from 3 submitters: Uncertain significance (3). Last evaluated 2025-07-30.

Conditions:
Dyskeratosis congenita, autosomal dominant 2. Identifiers: MedGen C3151443, MONDO:0013521, OMIM 613989.
Idiopathic Pulmonary Fibrosis. Also called: Idiopathic fibrosing alveolitis, chronic form; idiopathic fibrosing alveolitis. Identifiers: Orphanet 2032, MedGen C1800706, MeSH D054990, MONDO:0800504.
Dyskeratosis congenita. Identifiers: Orphanet 1775, MedGen C0265965, MONDO:0015780.

Allele frequency attached by ClinVar (database versions not stated): TOPMed below 0.00001; gnomAD exomes 0.00002; gnomAD 0.00003.
gnomAD v4.1: 24 of 1,614,212 alleles (0.0015%); highest among the groups gnomAD compares: Non-Finnish European, 0.0019%; no homozygotes.

Submissions (3):

Labcorp Genetics (formerly Invitae), Labcorp
Classification: Uncertain significance for Dyskeratosis congenita, autosomal dominant 2; Idiopathic Pulmonary Fibrosis. Last evaluated: 2025-07-30. Review status: criteria provided, single submitter. Criteria: Invitae Variant Classification Sherloc (09022015). Collection method: clinical testing. Allele origin: germline.
Comment: This sequence change replaces serine, which is neutral and polar, with cysteine, which is neutral and slightly polar, at codon 1037 of the TERT protein (p.Ser1037Cys). This variant is present in population databases (no rsID available, gnomAD 0.01%). This variant has not been reported in the literature in individuals affected with TERT-related conditions. ClinVar contains an entry for this variant (Variation ID: 410669). Invitae Evidence Modeling of protein sequence and biophysical properties (such as structural, functional, and spatial information, amino acid conservation, physicochemical variation, residue mobility, and thermodynamic stability) indicates that this missense variant is expected to disrupt TERT protein function with a positive predictive value of 95%. In summary, the available evidence is currently insufficient to determine the role of this variant in disease. Therefore, it has been classified as a Variant of Uncertain Significance.

GeneDx
Classification: Uncertain significance. Last evaluated: 2023-11-13. Review status: criteria provided, single submitter. Criteria: GeneDx Variant Classification Process June 2021. Collection method: clinical testing. Allele origin: germline. Affected: yes.
Comment: Not observed at significant frequency in large population cohorts (gnomAD); In silico analysis supports that this missense variant does not alter protein structure/function; Has not been previously published as pathogenic or benign to our knowledge

Ambry Genetics
Classification: Uncertain significance for Dyskeratosis congenita. Last evaluated: 2022-10-20. Review status: criteria provided, single submitter. Criteria: Ambry Variant Classification Scheme 2023. Collection method: clinical testing. Allele origin: germline.
Comment: The p.S1037C variant (also known as c.3110C>G), located in coding exon 14 of the TERT gene, results from a C to G substitution at nucleotide position 3110. The serine at codon 1037 is replaced by cysteine, an amino acid with dissimilar properties. This amino acid position is conserved. In addition, the in silico prediction for this alteration is inconclusive. Since supporting evidence is limited at this time, the clinical significance of this alteration remains unclear.